The following is an entry in ClinVar:

NM_001127222.2(CACNA1A):c.3775G>A (p.Ala1259Thr)

Gene: CACNA1A (calcium voltage-gated channel subunit alpha1 A; minus strand). Cytogenetic location: 19p13.13.
Variant type: single nucleotide variant.
Coding change: c.3775G>A on transcript NM_001127222.2 (MANE Select); coding-DNA position 3775, G replaced by A.
Protein change: p.Ala1259Thr; replaces alanine 1259 with threonine.
Molecular consequence: missense variant.
Genome position (GRCh38, 1-based): chr19:13,283,314, C>T on the plus strand (G>A on the coding strand, the complement: CACNA1A is on the minus strand). VCF-style: chr19-13283314-C-T. GRCh37 (hg19) VCF-style: chr19-13394128-C-T.
Other names: c.3787G>A, p.Ala1263Thr (NM_000068.4, NM_023035.3); c.3778G>A, p.Ala1260Thr (NM_001127221.2, NM_001174080.2); short protein forms A1259T, A1263T, A1260T.
Identifiers: ClinVar variation 2136179 (VCV002136179.2), dbSNP rs2512840688, ClinGen allele CA404340622.

ClinVar aggregate classification (germline): Uncertain significance (1 of 4 stars; one submission).

Submission:

GeneDx
Classification: Uncertain significance. Last evaluated: 2024-06-04. Review status: criteria provided, single submitter. Criteria: GeneDx Variant Classification Process June 2021. Collection method: clinical testing. Allele origin: germline. Affected: yes.
Comment: Not observed at significant frequency in large population cohorts (gnomAD); In silico analysis supports that this missense variant has a deleterious effect on protein structure/function; Has not been previously published as pathogenic or benign to our knowledge